The following is an entry in ClinVar:

NM_020458.4(TTC7A):c.1144A>G (p.Ile382Val)

Gene: TTC7A (tetratricopeptide repeat domain 7A; plus strand). Cytogenetic location: 2p21.
Variant type: single nucleotide variant.
Coding change: c.1144A>G on transcript NM_020458.4 (MANE Select); coding-DNA position 1144, A replaced by G.
Protein change: p.Ile382Val; replaces isoleucine 382 with valine.
Molecular consequence: missense variant.
Genome position (GRCh38, 1-based): chr2:47,006,000, A>G. VCF-style: chr2-47006000-A-G. GRCh37 (hg19) VCF-style: chr2-47233139-A-G.
Other names: c.1144A>G, p.Ile382Val (NM_001288951.2); c.1042A>G, p.Ile348Val (NM_001288953.2); c.82A>G, p.Ile28Val (NM_001288955.2); short protein forms I348V, I28V, I382V.
Identifiers: ClinVar variation 1401253 (VCV001401253.9), dbSNP rs757541124, ClinGen allele CA1647511.

ClinVar aggregate classification (germline): Uncertain significance (1 of 4 stars; one submission).

Conditions:
Multiple gastrointestinal atresias. Also called: FAMILIAL INTESTINAL POLYATRESIA SYNDROME; Multiple intestinal atresia. Identifiers: Orphanet 2300, MedGen C0220744, MONDO:0009465.

Allele frequency attached by ClinVar (database versions not stated): ExAC 0.00001; gnomAD exomes 0.00001.
gnomAD v4.1: 12 of 1,613,770 alleles (0.00074%); highest among the groups gnomAD compares: Non-Finnish European, 0.001%; no homozygotes.

Submission:

Labcorp Genetics (formerly Invitae), Labcorp
Classification: Uncertain significance for Multiple gastrointestinal atresias. Last evaluated: 2021-06-01. Review status: criteria provided, single submitter. Criteria: Invitae Variant Classification Sherloc (09022015). Collection method: clinical testing. Allele origin: germline.
Comment: Algorithms developed to predict the effect of missense changes on protein structure and function output the following: SIFT: "Tolerated"; PolyPhen-2: "Benign"; Align-GVGD: "Class C0". The valine amino acid residue is found in multiple mammalian species, suggesting that this missense change does not adversely affect protein function. These predictions have not been confirmed by published functional studies and their clinical significance is uncertain. This sequence change replaces isoleucine with valine at codon 382 of the TTC7A protein (p.Ile382Val). The isoleucine residue is weakly conserved and there is a small physicochemical difference between isoleucine and valine. This variant is present in population databases (rs757541124, ExAC 0.001%). This variant has not been reported in the literature in individuals with TTC7A-related conditions. In summary, the available evidence is currently insufficient to determine the role of this variant in disease. Therefore, it has been classified as a Variant of Uncertain Significance.